The following is an entry in ClinVar:

NM_001231.5(CASQ1):c.1176TGA[3] (p.Asp396del)

Gene: CASQ1 (calsequestrin 1; plus strand). Cytogenetic location: 1q23.2.
Variant type: Microsatellite.
Coding change: c.1176TGA[3] on transcript NM_001231.5 (MANE Select); three copies in a row of the 3-base unit TGA starting at c.1176; the reference has four copies in a row; one copy, 3 bases deleted.
Protein change: p.Asp396del; deletes aspartic acid 396.
Genome position (GRCh38, 1-based): chr1:160,201,370-160,201,372, TGA deleted; deleting any 3 consecutive bases within chr1:160,201,359-160,201,372 gives the same sequence; the position shown is the placement nearest the transcript's 3' end. VCF-style (leftmost placement, unchanged base first): chr1-160201358-CGAT-C. GRCh37 (hg19) VCF-style: chr1-160171148-CGAT-C.
Other names: short protein forms D396del.
Identifiers: ClinVar variation 4782295 (VCV004782295.1).

ClinVar aggregate classification (germline): Uncertain significance (1 of 4 stars; one submission).

Submission:

Labcorp Genetics (formerly Invitae), Labcorp
Classification: Uncertain significance. Last evaluated: 2025-11-24. Review status: criteria provided, single submitter. Criteria: Invitae Variant Classification Sherloc (09022015). Collection method: clinical testing. Allele origin: germline.
Comment: This variant, c.1185_1187del, results in the deletion of 1 amino acid(s) of the CASQ1 protein (p.Asp396del), but otherwise preserves the integrity of the reading frame. This variant is present in population databases (rs757776924, gnomAD 0.02%). This variant has not been reported in the literature in individuals affected with CASQ1-related conditions. Experimental studies and prediction algorithms are not available or were not evaluated, and the functional significance of this variant is currently unknown. In summary, the available evidence is currently insufficient to determine the role of this variant in disease. Therefore, it has been classified as a Variant of Uncertain Significance.